The following is an entry in ClinVar:

NM_006379.5(SEMA3C):c.1347C>T (p.Leu449=)

Gene: SEMA3C (semaphorin 3C; minus strand). Cytogenetic location: 7q21.11.
Variant type: single nucleotide variant.
Coding change: c.1347C>T on transcript NM_006379.5 (MANE Select); coding-DNA position 1347, C replaced by T.
Protein change: p.Leu449=; no amino-acid change (leucine 449 retained).
Molecular consequence: synonymous variant.
Genome position (GRCh38, 1-based): chr7:80,789,313, G>A on the plus strand (C>T on the coding strand, the complement: SEMA3C is on the minus strand). VCF-style: chr7-80789313-G-A. GRCh37 (hg19) VCF-style: chr7-80418629-G-A.
Other names: c.1401C>T, p.Leu467= (NM_001350120.2); c.1173C>T, p.Leu391= (NM_001350121.2); c.1401C>T (NM_001350120.1).
Identifiers: ClinVar variation 750434 (VCV000750434.4), dbSNP rs770476041, ClinGen allele CA4316152.

ClinVar aggregate classification (germline): Likely benign. Review status: criteria provided, multiple submitters, no conflicts (2 of 4 stars). 2 submissions from 2 submitters: Likely benign (2). Last evaluated 2026-01-13.

Conditions:
SEMA3C-related disorder. Also called: SEMA3C-related condition.

Allele frequency attached by ClinVar (database versions not stated): TOPMed below 0.00001; ExAC 0.00001; gnomAD 0.00001; gnomAD exomes 0.00001.
gnomAD v4.1: 12 of 1,611,664 alleles (0.00074%); highest among the groups gnomAD compares: Admixed American, 0.0033%; no homozygotes.

Submissions (2):

PreventionGenetics, part of Exact Sciences
Classification: Likely benign for SEMA3C-related condition. Last evaluated: 2026-01-13. Review status: criteria provided, single submitter. Criteria: ACMG Guidelines, 2015. Collection method: clinical testing. Allele origin: germline.
Comment: This variant is classified as likely benign based on ACMG/AMP sequence variant interpretation guidelines (Richards et al. 2015 PMID: 25741868, with internal and published modifications).

Labcorp Genetics (formerly Invitae), Labcorp
Classification: Likely benign. Last evaluated: 2019-01-09. Review status: criteria provided, single submitter. Criteria: Invitae Variant Classification Sherloc (09022015). Collection method: clinical testing. Allele origin: germline.